The following is an entry in ClinVar:

ClinVar aggregate classification (germline): Uncertain significance. Review status: criteria provided, multiple submitters, no conflicts (2 of 4 stars). 2 submissions from 2 submitters: Uncertain significance (2). Last evaluated 2026-01-22.

Conditions:
Ehlers-Danlos syndrome, type 4 (EDSVASC). Also called: Ehlers-Danlos Syndrome Type IV; Ehlers-Danlos syndrome vascular type; Ehlers Danlos syndrome, ecchymotic type; Ehlers Danlos syndrome, arterial type; Ehlers Danlos syndrome, Sack-Barabas type. Identifiers: Orphanet 286, MedGen C0268338, MONDO:0017314, OMIM 130050.

gnomAD v4.1: 1 of 1,613,064 alleles (0.000062%); highest among the groups gnomAD compares: Non-Finnish European, 0.000085%; no homozygotes.

Submissions (2):

Labcorp Genetics (formerly Invitae), Labcorp
Classification: Uncertain significance for Ehlers-Danlos syndrome, type 4. Last evaluated: 2026-01-22. Review status: criteria provided, single submitter. Criteria: Invitae Variant Classification Sherloc (09022015). Collection method: clinical testing. Allele origin: germline.
Comment: This sequence change replaces aspartic acid, which is acidic and polar, with histidine, which is basic and polar, at codon 69 of the COL3A1 protein (p.Asp69His). This variant is present in population databases (no rsID available, gnomAD 0.007%). This variant has not been reported in the literature in individuals affected with COL3A1-related conditions. ClinVar contains an entry for this variant (Variation ID: 3069866). Invitae Evidence Modeling of protein sequence and biophysical properties (such as structural, functional, and spatial information, amino acid conservation, physicochemical variation, residue mobility, and thermodynamic stability) indicates that this missense variant is not expected to disrupt COL3A1 protein function with a negative predictive value of 95%. In summary, the available evidence is currently insufficient to determine the role of this variant in disease. Therefore, it has been classified as a Variant of Uncertain Significance.

All of Us Research Program, National Institutes of Health
Classification: Uncertain significance for Ehlers-Danlos syndrome, type 4. Last evaluated: 2023-03-04. Review status: criteria provided, single submitter. Criteria: ACMG Guidelines, 2015. Collection method: clinical testing. Allele origin: germline. Inheritance: Autosomal dominant inheritance. Observed: 1 variant allele, 1 heterozygote.
Comment: This study involves interpretation of variants in research participants for the purpose of population health screening. Participant phenotype was not available at the time of variant classification. Additional details can be found in publication PMID: 35346344, PMCID: PMC8962531

NM_000090.4(COL3A1):c.205G>C (p.Asp69His)

Gene: COL3A1 (collagen type III alpha 1 chain; plus strand). Cytogenetic location: 2q32.2.
Variant type: single nucleotide variant.
Coding change: c.205G>C on transcript NM_000090.4 (MANE Select); coding-DNA position 205, G replaced by C.
Protein change: p.Asp69His; replaces aspartic acid 69 with histidine.
Molecular consequence: missense variant.
Genome position (GRCh38, 1-based): chr2:188,984,885, G>C. VCF-style: chr2-188984885-G-C. GRCh37 (hg19) VCF-style: chr2-189849611-G-C.
Other names: short protein forms D69H.
Identifiers: ClinVar variation 3069866 (VCV003069866.2), dbSNP rs112714742, ClinGen allele CA349847203.